The following is an entry in ClinVar:

ClinVar aggregate classification (germline): Uncertain significance. Review status: criteria provided, multiple submitters, no conflicts (2 of 4 stars). 2 submissions from 2 submitters: Uncertain significance (2). Last evaluated 2023-01-14.

Conditions:
DICER1-related tumor predisposition. Also called: DICER1 syndrome; DICER1-related pleuropulmonary blastoma cancer predisposition syndrome. Identifiers: Orphanet 284343, MedGen C3839822, MONDO:0100216.
Hereditary cancer-predisposing syndrome. Also called: Neoplastic Syndromes, Hereditary; Tumor predisposition; Hereditary Cancer Syndrome; Hereditary neoplastic syndrome. Identifiers: Orphanet 140162, MedGen C0027672, MeSH D009386, MONDO:0015356.

Submissions (2):

Labcorp Genetics (formerly Invitae), Labcorp
Classification: Uncertain significance for DICER1-related tumor predisposition. Last evaluated: 2023-01-14. Review status: criteria provided, single submitter. Criteria: Invitae Variant Classification Sherloc (09022015). Collection method: clinical testing. Allele origin: germline.
Comment: This sequence change replaces glutamic acid, which is acidic and polar, with leucine, which is neutral and non-polar, at codon 1069 of the DICER1 protein (p.Glu1069Leu). In summary, the available evidence is currently insufficient to determine the role of this variant in disease. Therefore, it has been classified as a Variant of Uncertain Significance. An algorithm developed to predict the effect of missense changes on protein structure and function (PolyPhen-2) suggests that this variant is likely to be disruptive. ClinVar contains an entry for this variant (Variation ID: 1728856). This variant has not been reported in the literature in individuals affected with DICER1-related conditions. Information on the frequency of this variant in the gnomAD database is not available, as this variant may be reported differently in the database.

Ambry Genetics
Classification: Uncertain significance for Hereditary cancer-predisposing syndrome. Last evaluated: 2020-03-29. Review status: criteria provided, single submitter. Criteria: Ambry Variant Classification Scheme 2023. Collection method: clinical testing. Allele origin: germline.
Comment: The c.3205_3206delGAinsTT variant (also known as p.E1069L), located in coding exon 19 of the DICER1 gene, results from an in-frame deletion of GA and insertion of TT at nucleotide positions 3205 to 3206. This results in the substitution of the glutamic acid residue for a leucine residue at codon 1069, an amino acid with dissimilar properties. This amino acid position is highly conserved in available vertebrate species. In addition, this alteration is predicted to be deleterious by in silico analysis (Choi Y et al. PLoS ONE. 2012; 7(10):e46688). Since supporting evidence is limited at this time, the clinical significance of this alteration remains unclear.

NM_177438.3(DICER1):c.3205_3206delinsTT (p.Glu1069Leu)

Gene: DICER1 (dicer 1, ribonuclease III; minus strand). Cytogenetic location: 14q32.13.
Variant type: Indel.
Coding change: c.3205_3206delinsTT on transcript NM_177438.3 (MANE Select); coding-DNA positions 3205 to 3206, GA replaced by TT.
Protein change: p.Glu1069Leu; replaces glutamic acid 1069 with leucine.
Molecular consequence: missense variant. On other transcripts: non-coding transcript variant (6).
Genome position (GRCh38, 1-based): chr14:95,105,134-95,105,135, TC replaced by AA on the plus strand (GA replaced by TT on the coding strand, the reverse complement: DICER1 is on the minus strand). VCF-style: chr14-95105134-TC-AA. GRCh37 (hg19) VCF-style: chr14-95571471-TC-AA.
Other names: c.3205_3206delinsTT, p.Glu1069Leu (NM_030621.4, NM_001195573.1, NM_001271282.3 and 12 more transcripts); c.3205_3206delGAinsTT, p.Glu1069Leu (NM_001395681.1); c.2923_2924delinsTT, p.Glu975Leu (NM_001395686.1); c.2800_2801delinsTT, p.Glu934Leu (NM_001395687.1, NM_001395688.1, NM_001395689.1 and 2 more transcripts); c.2638_2639delinsTT, p.Glu880Leu (NM_001395691.1); c.1522_1523delinsTT, p.Glu508Leu (NM_001395697.1); short protein forms E975L, E1069L, E508L, E880L, E934L.
Identifiers: ClinVar variation 1728856 (VCV001728856.5), dbSNP rs2542753267, ClinGen allele CA2580089020.